The following is an entry in ClinVar:

NM_001009944.3(PKD1):c.7045del (p.Glu2349fs)

Gene: PKD1 (polycystin 1, transient receptor potential channel interacting; minus strand). Cytogenetic location: 16p13.3.
Variant type: Deletion.
Coding change: c.7045del on transcript NM_001009944.3 (MANE Select); coding-DNA position 7045, one base deleted (G; older notation c.7045delG).
Protein change: p.Glu2349fs; shifts the reading frame from glutamic acid 2349.
Molecular consequence: frameshift variant.
Genome position (GRCh38, 1-based): chr16:2,107,903, C deleted on the plus strand (G on the coding strand, the reverse complement: PKD1 is on the minus strand); the first of 2 consecutive C bases (chr16:2,107,903-2,107,904); deleting either gives the same sequence. VCF-style (leftmost placement, unchanged base first): chr16-2107902-TC-T. GRCh37 (hg19) VCF-style: chr16-2157903-TC-T.
Other names: c.7045delG (NM_001009944.3); c.7045del, p.Glu2349fs (NM_000296.4); short protein forms E2349fs.
Identifiers: ClinVar variation 805176 (VCV000805176.3), dbSNP rs1596548114, ClinGen allele CA915949001.

ClinVar aggregate classification (germline): Pathogenic. Review status: criteria provided, multiple submitters, no conflicts (2 of 4 stars). 3 submissions from 3 submitters: Pathogenic (3). Last evaluated 2026-06-01.

Conditions:
Polycystic kidney disease, adult type (PKD1). Also called: Polycystic Kidney Disease 1, Autosomal Dominant; Polycystic kidney disease 1; Polycystic kidney disease 1, severe; POLYCYSTIC KIDNEY DISEASE, ADULT, TYPE I; Polycystic Kidney, Autosomal Dominant; POLYCYSTIC KIDNEY DISEASE 1 WITH OR WITHOUT POLYCYSTIC LIVER DISEASE. Identifiers: MedGen C3149841, MONDO:0008263, OMIM 173900.

Submissions (3):

Women's Health and Genetics/Laboratory Corporation of America, LabCorp
Classification: Pathogenic for Polycystic kidney disease, adult type. Last evaluated: 2026-06-01. Review status: criteria provided, single submitter. Criteria: LabCorp Variant Classification Summary - May 2015. Collection method: clinical testing. Allele origin: germline.
Comment: Variant summary: PKD1 c.7045delG (p.Glu2349ArgfsX9) results in a premature termination codon, predicted to cause a truncation of the encoded protein or absence of the protein due to nonsense mediated decay, which are commonly known mechanisms for disease. The variant was absent in 146452 control chromosomes. c.7045delG has been observed in at least 1 individual affected with PKD1-related conditions (example, Carrera_2016). To our knowledge, no experimental evidence demonstrating an impact on protein function has been reported. The following publication has been ascertained in the context of this evaluation (PMID: 27499327). ClinVar contains an entry for this variant (Variation ID: 805176). Based on the evidence outlined above, the variant was classified as pathogenic.

Fulgent Genetics
Classification: Pathogenic for Polycystic kidney disease, adult type. Last evaluated: 2022-05-26. Review status: criteria provided, single submitter. Criteria: ACMG Guidelines, 2015. Collection method: clinical testing. Allele origin: unknown.

Athena Diagnostics
Classification: Pathogenic. Last evaluated: 2018-08-29. Review status: criteria provided, single submitter. Criteria: Athena Diagnostics Criteria. Collection method: clinical testing. Allele origin: germline.
Comment: The variant results in a shift of the reading frame, and is therefore predicted to significantly disrupt the protein structure. Found in at least one symptomatic patient, and not found in general population data.

Literature cited by the submitters: PubMed 27499327 (cited by Women's Health and Genetics/Laboratory Corporation of America, LabCorp and Athena Diagnostics).